The following is an entry in ClinVar:

ClinVar aggregate classification (germline): Uncertain significance (1 of 4 stars; one submission).

Conditions:
Inborn genetic diseases. Identifiers: MedGen C0950123, MeSH D030342.

Submission:

Ambry Genetics
Classification: Uncertain significance for Inborn genetic diseases. Last evaluated: 2025-03-20. Review status: criteria provided, single submitter. Criteria: Ambry Variant Classification Scheme 2023. Collection method: clinical testing. Allele origin: germline.
Comment: The p.N213I variant (also known as c.638A>T), located in coding exon 7 of the FANCA gene, results from an A to T substitution at nucleotide position 638. The asparagine at codon 213 is replaced by isoleucine, an amino acid with dissimilar properties. This amino acid position is conserved. In addition, this alteration is predicted to be tolerated by in silico analysis. Based on the available evidence, the clinical significance of this variant remains unclear.

NM_000135.4(FANCA):c.638A>T (p.Asn213Ile)

Gene: FANCA (FA complementation group A; minus strand). Cytogenetic location: 16q24.3.
Variant type: single nucleotide variant.
Coding change: c.638A>T on transcript NM_000135.4 (MANE Select); coding-DNA position 638, A replaced by T.
Protein change: p.Asn213Ile; replaces asparagine 213 with isoleucine.
Molecular consequence: missense variant.
Genome position (GRCh38, 1-based): chr16:89,805,351, T>A on the plus strand (A>T on the coding strand, the complement: FANCA is on the minus strand). VCF-style: chr16-89805351-T-A. GRCh37 (hg19) VCF-style: chr16-89871759-T-A.
Other names: c.638A>T, p.Asn213Ile (NM_001018112.3, NM_001286167.3); c.542A>T, p.Asn181Ile (NM_001351830.2); short protein forms N181I, N213I.
Identifiers: ClinVar variation 4022097 (VCV004022097.1).
Genomic context (GRCh38, chr16:89,805,351, plus strand): 5'-GCCCTGGCGACGTCAGCATGCTGGCAGGATGCTTCCATCTGTTCACAAAGGCAGCACAGA[T>A]TCCTGAAGAGCCACGATCCCACAGCATGCATGTCGGGATGGCTGGAGACACACACAGAGG-3'
Protein context (NP_000126.2, residues 203-223): MHAVGSWLFR[Asn213Ile]LCCLCEQMEA